The following is an entry in ClinVar:

ClinVar aggregate classification (germline): Benign (1 of 4 stars; one submission).

Conditions:
White sponge nevus 1. Also called: LEUKOKERATOSIS, HEREDITARY MUCOSAL. Identifiers: MedGen C4011926, MONDO:0008676, OMIM 193900.

Allele frequency attached by ClinVar (database versions not stated): ExAC 0.00012; gnomAD exomes 0.00020 and 0.00043; 1000 Genomes Project 0.00080; 1000 Genomes Project 30x 0.00094; TOPMed 0.00129; gnomAD 0.00131 and 0.00134.
gnomAD v4.1: 485 of 1,614,164 alleles (0.03%); highest among the groups gnomAD compares: Admixed American, 0.51%; 4 homozygotes.

Submission:

Illumina Laboratory Services, Illumina
Classification: Benign for White sponge nevus 1. Last evaluated: 2018-01-13. Review status: criteria provided, single submitter. Criteria: ICSL Variant Classification Criteria 13 December 2019. Collection method: clinical testing. Allele origin: germline.
Comment: This variant was observed in the ICSL laboratory as part of a predisposition screen in an ostensibly healthy population. It had not been previously curated by ICSL or reported in the Human Gene Mutation Database (HGMD: prior to June 1st, 2018), and was therefore a candidate for classification through an automated scoring system. Utilizing variant allele frequency, disease prevalence and penetrance estimates, and inheritance mode, an automated score was calculated to assess if this variant is too frequent to cause the disease. Based on the score and internal cut-off values, a variant classified as benign is not then subjected to further curation. The score for this variant resulted in a classification of benign for this disease.

NM_002272.4(KRT4):c.1258C>T (p.Arg420Cys)

Gene: KRT4 (keratin 4; minus strand). Cytogenetic location: 12q13.13.
Variant type: single nucleotide variant.
Coding change: c.1258C>T on transcript NM_002272.4 (MANE Select); coding-DNA position 1258, C replaced by T.
Protein change: p.Arg420Cys; replaces arginine 420 with cysteine.
Molecular consequence: missense variant.
Genome position (GRCh38, 1-based): chr12:52,807,732, G>A on the plus strand (C>T on the coding strand, the complement: KRT4 is on the minus strand). VCF-style: chr12-52807732-G-A. GRCh37 (hg19) VCF-style: chr12-53201516-G-A.
Other names: short protein forms R420C.
Identifiers: ClinVar variation 883553 (VCV000883553.4), dbSNP rs192699667, ClinGen allele CA6588460.
Genomic context (GRCh38, chr12:52,807,732, plus strand): 5'-GGTAGGTGGCGATCTCGATGTCCAAGGCCAGCTTCACACTCATGAGCTCCTGGTACTCAC[G>A]CAGCATTCGTGCCAGCTCCTCCTTGGCCTGCTGCAGGGCAGCCTCCAGCTCTACGCGCTT-3'
Protein context (NP_002263.3, residues 410-430): QAKEELARML[Arg420Cys]EYQELMSVKL